The following is an entry in ClinVar:

ClinVar aggregate classification (germline): Benign/Likely benign. Review status: criteria provided, multiple submitters, no conflicts (2 of 4 stars). 3 submissions from 3 submitters: Benign (1); Likely benign (2). Last evaluated 2025-06-11.

Conditions:
Chuvash polycythemia. Also called: POLYCYTHEMIA, VHL-DEPENDENT. Identifiers: Orphanet 238557, MedGen C1837915, MONDO:0009892, OMIM 263400.
Von Hippel-Lindau syndrome (VHLS). Also called: Von Hippel-Lindau; VHL syndrome; von Hippel–Lindau syndrome. Identifiers: Orphanet 892, MedGen C0019562, MONDO:0008667, OMIM 193300. Disease mechanism: loss of function.

Submissions (3):

Myriad Genetics, Inc.
Classification: Benign for Von Hippel-Lindau syndrome. Last evaluated: 2025-06-11. Review status: criteria provided, single submitter. Criteria: Myriad Autosomal Dominant, Autosomal Recessive and X-Linked Classification Criteria (2023). Collection method: clinical testing. Allele origin: unknown.
Comment: This variant is considered benign. This variant is a silent/synonymous amino acid change and it is not expected to impact splicing.

Labcorp Genetics (formerly Invitae), Labcorp
Classification: Likely benign for Von Hippel-Lindau syndrome; Chuvash polycythemia. Last evaluated: 2023-10-03. Review status: criteria provided, single submitter. Criteria: Invitae Variant Classification Sherloc (09022015). Collection method: clinical testing. Allele origin: germline.

GeneDx
Classification: Likely benign. Last evaluated: 2016-06-02. Review status: criteria provided, single submitter. Criteria: GeneDx Variant Classification (06012015). Collection method: clinical testing. Allele origin: germline. Affected: yes.
Comment: This variant is considered likely benign or benign based on one or more of the following criteria: it is a conservative change, it occurs at a poorly conserved position in the protein, it is predicted to be benign by multiple in silico algorithms, and/or has population frequency not consistent with disease.

NM_000551.4(VHL):c.315G>A (p.Thr105=)

Gene: VHL (von Hippel-Lindau tumor suppressor; plus strand). Cytogenetic location: 3p25.3.
Variant type: single nucleotide variant.
Coding change: c.315G>A on transcript NM_000551.4 (MANE Select); coding-DNA position 315, G replaced by A.
Protein change: p.Thr105=; no amino-acid change (threonine 105 retained).
Molecular consequence: synonymous variant.
Genome position (GRCh38, 1-based): chr3:10,142,162, G>A. VCF-style: chr3-10142162-G-A. GRCh37 (hg19) VCF-style: chr3-10183846-G-A.
Other names: c.315G>A, p.Thr105= (NM_001354723.2, NM_198156.3).
Identifiers: ClinVar variation 386791 (VCV000386791.10), dbSNP rs769102979, ClinGen allele CA16604755.